The following is an entry in ClinVar:

ClinVar aggregate classification (germline): Uncertain significance (1 of 4 stars; one submission).

Conditions:
CHARGE syndrome (CHARGE). Also called: Hittner Hirsch Kreh syndrome; CHARGE ASSOCIATION--COLOBOMA, HEART ANOMALY, CHOANAL ATRESIA, RETARDATION, GENITAL AND EAR ANOMALIES; Coloboma, heart anomaly, choanal atresia, retardation, genital and ear anomalies; CHARGE association; Hall-Hittner syndrome. Identifiers: Orphanet 138, MedGen C0265354, MONDO:0008965.

Submission:

Labcorp Genetics (formerly Invitae), Labcorp
Classification: Uncertain significance for CHARGE syndrome. Last evaluated: 2023-05-11. Review status: criteria provided, single submitter. Criteria: Invitae Variant Classification Sherloc (09022015). Collection method: clinical testing. Allele origin: germline.
Comment: This sequence change affects a donor splice site in intron 12 of the SEMA3E gene. It is expected to disrupt RNA splicing. Variants that disrupt the donor or acceptor splice site typically lead to a loss of protein function (PMID: 16199547), however the current clinical and genetic evidence is not sufficient to establish whether loss-of-function variants in SEMA3E cause disease. This variant is not present in population databases (gnomAD no frequency). This variant has not been reported in the literature in individuals affected with SEMA3E-related conditions. Algorithms developed to predict the effect of sequence changes on RNA splicing suggest that this variant may disrupt the consensus splice site. In summary, the available evidence is currently insufficient to determine the role of this variant in disease. Therefore, it has been classified as a Variant of Uncertain Significance.

Literature cited by the submitters: PubMed 16199547.

NM_012431.3(SEMA3E):c.1458+1G>T

Gene: SEMA3E (semaphorin 3E; minus strand). Cytogenetic location: 7q21.11.
Variant type: single nucleotide variant.
Coding change: c.1458+1G>T on transcript NM_012431.3 (MANE Select); the canonical splice donor site of the intron after coding-DNA position 1458, G replaced by T.
Molecular consequence: splice donor variant.
Genome position (GRCh38, 1-based): chr7:83,396,637, C>A on the plus strand (G>T on the coding strand, the complement: SEMA3E is on the minus strand). VCF-style: chr7-83396637-C-A. GRCh37 (hg19) VCF-style: chr7-83025953-C-A.
Other names: c.1278+1G>T (NM_001178129.2).
Identifiers: ClinVar variation 2863447 (VCV002863447.3), dbSNP rs2484299821, ClinGen allele CA367925047.